The following is an entry in ClinVar:

NM_005188.4(CBL):c.1394A>T (p.Asp465Val)

Gene: CBL (Cbl proto-oncogene; plus strand). Cytogenetic location: 11q23.3.
Variant type: single nucleotide variant.
Coding change: c.1394A>T on transcript NM_005188.4 (MANE Select); coding-DNA position 1394, A replaced by T.
Protein change: p.Asp465Val; replaces aspartic acid 465 with valine.
Molecular consequence: missense variant.
Genome position (GRCh38, 1-based): chr11:119,278,676, A>T. VCF-style: chr11-119278676-A-T. GRCh37 (hg19) VCF-style: chr11-119149386-A-T.
Other names: short protein forms D465V.
Identifiers: ClinVar variation 573622 (VCV000573622.14), dbSNP rs770644035, ClinGen allele CA6318506.
Genomic context (GRCh38, chr11:119,278,676, plus strand): 5'-AAGGAGCAGAGGGAGCTCCCTCCCCAAATTATGATGATGATGATGATGAACGAGCTGATG[A>T]TACTCTCTTCATGATGAAGGAATTGGCTGGTGCCAAGGTAAGATGGCAGTTTAGGAGACT-3'
Protein context (NP_005179.2, residues 455-475): YDDDDDERAD[Asp465Val]TLFMMKELAG

ClinVar aggregate classification (germline): Uncertain significance. Review status: criteria provided, multiple submitters, no conflicts (2 of 4 stars). 5 submissions from 5 submitters: Uncertain significance (5). Last evaluated 2026-04-02.

Conditions:
CBL-related disorder. Also called: NOONAN SYNDROME-LIKE DISORDER WITHOUT JUVENILE MYELOMONOCYTIC LEUKEMIA; CBL MUTATION-ASSOCIATED SYNDROME; CBL SYNDROME. Identifiers: Orphanet 363972, MedGen C3150803, MONDO:0013308, OMIM 613563.
RASopathy. Also called: Noonan spectrum disorder; rasopathies. Identifiers: Orphanet 536391, MedGen C5555857, MONDO:0021060.
Cardiovascular phenotype. Identifiers: MedGen CN230736.
Juvenile myelomonocytic leukemia (JMML). Also called: LEUKEMIA, JUVENILE MYELOMONOCYTIC, SOMATIC. Identifiers: Orphanet 86834, MedGen C0349639, MONDO:0011908, OMIM 607785, HP:0012209.

Allele frequency attached by ClinVar (database versions not stated): TOPMed 0.00001; gnomAD 0.00002.
gnomAD v4.1: 14 of 1,613,930 alleles (0.00087%); highest among the groups gnomAD compares: African/African-American, 0.0013%; no homozygotes.

Submissions (5):

GeneDx
Classification: Uncertain significance. Last evaluated: 2026-04-02. Review status: criteria provided, single submitter. Criteria: GeneDx Variant Classification Process June 2021. Collection method: clinical testing. Allele origin: germline.
Comment: In silico analysis suggests that this missense variant does not alter protein structure/function; Has not been previously published as pathogenic or benign to our knowledge; This variant is associated with the following publications: (PMID: 20619386)

Labcorp Genetics (formerly Invitae), Labcorp
Classification: Uncertain significance for RASopathy. Last evaluated: 2025-09-22. Review status: criteria provided, single submitter. Criteria: Invitae Variant Classification Sherloc (09022015). Collection method: clinical testing. Allele origin: germline.
Comment: This sequence change replaces aspartic acid, which is acidic and polar, with valine, which is neutral and non-polar, at codon 465 of the CBL protein (p.Asp465Val). This variant is present in population databases (rs770644035, gnomAD 0.003%). This variant has not been reported in the literature in individuals affected with CBL-related conditions. ClinVar contains an entry for this variant (Variation ID: 573622). Invitae Evidence Modeling of protein sequence and biophysical properties (such as structural, functional, and spatial information, amino acid conservation, physicochemical variation, residue mobility, and thermodynamic stability) has been performed for this missense variant. However, the output from this modeling did not meet the statistical confidence thresholds required to predict the impact of this variant on CBL protein function. In summary, the available evidence is currently insufficient to determine the role of this variant in disease. Therefore, it has been classified as a Variant of Uncertain Significance.

Ambry Genetics
Classification: Uncertain significance for Cardiovascular phenotype. Last evaluated: 2024-11-05. Review status: criteria provided, single submitter. Criteria: Ambry Variant Classification Scheme 2023. Collection method: clinical testing. Allele origin: germline.
Comment: The p.D465V variant (also known as c.1394A>T), located in coding exon 9 of the CBL gene, results from an A to T substitution at nucleotide position 1394. The aspartic acid at codon 465 is replaced by valine, an amino acid with highly dissimilar properties. This amino acid position is conserved. In addition, the in silico prediction for this alteration is inconclusive. Since supporting evidence is limited at this time, the clinical significance of this alteration remains unclear.

Fulgent Genetics
Classification: Uncertain significance for Juvenile myelomonocytic leukemia; CBL-related disorder. Last evaluated: 2024-03-28. Review status: criteria provided, single submitter. Criteria: ACMG Guidelines, 2015. Collection method: clinical testing. Allele origin: germline.

PreventionGenetics, part of Exact Sciences
Classification: Uncertain significance for CBL-related condition. Last evaluated: 2023-09-08. Review status: criteria provided, single submitter. Criteria: ACMG Guidelines, 2015. Collection method: clinical testing. Allele origin: germline.
Comment: The CBL c.1394A>T variant is predicted to result in the amino acid substitution p.Asp465Val. To our knowledge, this variant has not been reported in the literature. This variant is reported in 0.0026% of alleles in individuals of European (Non-Finnish) descent in gnomAD. At this time, the clinical significance of this variant is uncertain due to the absence of conclusive functional and genetic evidence.